The following is an entry in ClinVar:

NM_000260.4(MYO7A):c.1213C>A (p.Arg405=)

Gene: MYO7A (myosin VIIA; plus strand). Cytogenetic location: 11q13.5.
Variant type: single nucleotide variant.
Coding change: c.1213C>A on transcript NM_000260.4 (MANE Select); coding-DNA position 1213, C replaced by A.
Protein change: p.Arg405=; no amino-acid change (arginine 405 retained).
Molecular consequence: synonymous variant.
Genome position (GRCh38, 1-based): chr11:77,160,985, C>A. VCF-style: chr11-77160985-C-A. GRCh37 (hg19) VCF-style: chr11-76872031-C-A.
Other names: c.1213C>A (NM_000260.3); c.1213C>A, p.Arg405= (NM_001127180.2); c.1180C>A, p.Arg394= (NM_001369365.1).
Identifiers: ClinVar variation 1132127 (VCV001132127.10), dbSNP rs375745526, ClinGen allele CA6197426.

ClinVar aggregate classification (germline): Likely benign. Review status: criteria provided, multiple submitters, no conflicts (2 of 4 stars). 2 submissions from 2 submitters: Likely benign (2). Last evaluated 2025-12-26.

Conditions:
MYO7A-related disorder. Also called: MYO7A-related disorders.

Allele frequency attached by ClinVar (database versions not stated): ESP Exome Variant Server 0.00008.
gnomAD v4.1: 20 of 1,604,742 alleles (0.0012%); highest among the groups gnomAD compares: Admixed American, 0.0017%; no homozygotes.

Submissions (2):

PreventionGenetics, part of Exact Sciences
Classification: Likely benign for MYO7A-related condition. Last evaluated: 2025-12-26. Review status: criteria provided, single submitter. Criteria: ACMG Guidelines, 2015. Collection method: clinical testing. Allele origin: germline.
Comment: This variant is classified as likely benign based on ACMG/AMP sequence variant interpretation guidelines (Richards et al. 2015 PMID: 25741868, with internal and published modifications).

Labcorp Genetics (formerly Invitae), Labcorp
Classification: Likely benign. Last evaluated: 2024-12-17. Review status: criteria provided, single submitter. Criteria: Invitae Variant Classification Sherloc (09022015). Collection method: clinical testing. Allele origin: germline.